The following is an entry in ClinVar:

ClinVar aggregate classification (germline): Benign/Likely benign. Review status: criteria provided, multiple submitters, no conflicts (2 of 4 stars). 6 submissions from 6 submitters: Benign (2); Likely benign (4). Last evaluated 2025-11-29.

Conditions:
KBG syndrome (KBGS). Also called: ANKRD11-Related KBG Syndrome. Identifiers: Orphanet 2332, MedGen C0220687, MONDO:0007846, OMIM 148050.
ANKRD11-related disorder. Also called: ANKRD11-related condition.
Inborn genetic diseases. Identifiers: MedGen C0950123, MeSH D030342.

Allele frequency attached by ClinVar (database versions not stated): ExAC 0.00009; gnomAD exomes 0.00013; TOPMed 0.00031; gnomAD 0.00037; ESP Exome Variant Server 0.00062.

Submissions (6):

Labcorp Genetics (formerly Invitae), Labcorp
Classification: Benign for KBG syndrome. Last evaluated: 2025-11-29. Review status: criteria provided, single submitter. Criteria: Invitae Variant Classification Sherloc (09022015). Collection method: clinical testing. Allele origin: germline.

PreventionGenetics, part of Exact Sciences
Classification: Likely benign for ANKRD11-related condition. Last evaluated: 2025-08-04. Review status: criteria provided, single submitter. Criteria: ACMG Guidelines, 2015. Collection method: clinical testing. Allele origin: germline.
Comment: This variant is classified as likely benign based on ACMG/AMP sequence variant interpretation guidelines (Richards et al. 2015 PMID: 25741868, with internal and published modifications).

Ambry Genetics
Classification: Likely benign for Inborn genetic diseases. Last evaluated: 2022-02-11. Review status: criteria provided, single submitter. Criteria: Ambry Variant Classification Scheme 2023. Collection method: clinical testing. Allele origin: germline.

Genome-Nilou Lab
Classification: Benign for KBG syndrome. Last evaluated: 2021-12-05. Review status: criteria provided, single submitter. Criteria: ACMG Guidelines, 2015. Collection method: clinical testing. Allele origin: germline. Affected: no.

GeneDx
Classification: Likely benign. Last evaluated: 2021-07-30. Review status: criteria provided, single submitter. Criteria: GeneDx Variant Classification Process June 2021. Collection method: clinical testing. Allele origin: germline. Affected: yes.

Blueprint Genetics
Classification: Likely benign. Last evaluated: 2020-01-31. Review status: criteria provided, single submitter. Criteria: ACMG Guidelines, 2015. Collection method: clinical testing. Allele origin: germline.

NM_013275.6(ANKRD11):c.1258G>A (p.Val420Met)

Gene: ANKRD11 (ankyrin repeat domain 11; minus strand). Cytogenetic location: 16q24.3.
Variant type: single nucleotide variant.
Coding change: c.1258G>A on transcript NM_013275.6 (MANE Select); coding-DNA position 1258, G replaced by A.
Protein change: p.Val420Met; replaces valine 420 with methionine.
Molecular consequence: missense variant.
Genome position (GRCh38, 1-based): chr16:89,285,284, C>T on the plus strand (G>A on the coding strand, the complement: ANKRD11 is on the minus strand). VCF-style: chr16-89285284-C-T. GRCh37 (hg19) VCF-style: chr16-89351692-C-T.
Other names: c.1258G>A (NM_013275.4); c.1258G>A, p.Val420Met (NM_001256182.2, NM_001256183.2); short protein forms V420M.
Identifiers: ClinVar variation 1202383 (VCV001202383.16), dbSNP rs147180412, ClinGen allele CA8242821.
Genomic context (GRCh38, chr16:89,285,284, plus strand): 5'-GTGTCTTACTACCAGGCAATATCGTATGTGCCGAGAGTCTCAGCTTCTCTCCTGTCCCCA[C>T]GGTGACACTCGCGTCCTCCTCGTCCGACGTGTCTGACAGGATACGATGGGACGCTTTCTT-3'
Protein context (NP_037407.4, residues 410-430): TSDEEDASVT[Val420Met]GTGEKLRLSA